The following is an entry in ClinVar:

ClinVar aggregate classification (germline): Likely pathogenic (1 of 4 stars; one submission).

Conditions:
Osteogenesis imperfecta type I (OI1). Also called: Lobstein's Disease; Classic Non-deforming Osteogenesis Imperfecta with Blue Sclerae; Lobstein disease; OI, TYPE I; OSTEOGENESIS IMPERFECTA TARDA; OSTEOGENESIS IMPERFECTA WITH BLUE SCLERAE. Identifiers: Orphanet 216796, Orphanet 666, MedGen C0023931, MONDO:0008146, OMIM 166200. Disease mechanism: loss of function.

Submission:

Labcorp Genetics (formerly Invitae), Labcorp
Classification: Likely pathogenic for Osteogenesis imperfecta type I. Last evaluated: 2023-06-14. Review status: criteria provided, single submitter. Criteria: Invitae Variant Classification Sherloc (09022015). Collection method: clinical testing. Allele origin: germline.
Comment: In summary, the currently available evidence indicates that the variant is pathogenic, but additional data are needed to prove that conclusively. Therefore, this variant has been classified as Likely Pathogenic. This variant disrupts the triple helix domain of COL1A1. Glycine residues within the Gly-Xaa-Yaa repeats of the triple helix domain are required for the structure and stability of fibrillar collagens (PMID: 7695699, 8218237, 19344236). In COL1A1, variants affecting these glycine residues are significantly enriched in individuals with disease (PMID: 9016532, 17078022) compared to the general population (ExAC). Advanced modeling of protein sequence and biophysical properties (such as structural, functional, and spatial information, amino acid conservation, physicochemical variation, residue mobility, and thermodynamic stability) performed at Invitae indicates that this missense variant is expected to disrupt COL1A1 protein function. This variant has not been reported in the literature in individuals affected with COL1A1-related conditions. This variant is not present in population databases (gnomAD no frequency). This sequence change replaces glycine, which is neutral and non-polar, with serine, which is neutral and polar, at codon 485 of the COL1A1 protein (p.Gly485Ser).

Literature cited by the submitters: PubMed 7695699; PubMed 8218237; PubMed 19344236; PubMed 9016532; PubMed 17078022.

NM_000088.4(COL1A1):c.1453G>A (p.Gly485Ser)

Gene: COL1A1 (collagen type I alpha 1 chain; minus strand). Cytogenetic location: 17q21.33.
Variant type: single nucleotide variant.
Coding change: c.1453G>A on transcript NM_000088.4 (MANE Select); coding-DNA position 1453, G replaced by A.
Protein change: p.Gly485Ser; replaces glycine 485 with serine.
Molecular consequence: missense variant.
Genome position (GRCh38, 1-based): chr17:50,194,729, C>T on the plus strand (G>A on the coding strand, the complement: COL1A1 is on the minus strand). VCF-style: chr17-50194729-C-T. GRCh37 (hg19) VCF-style: chr17-48272090-C-T.
Other names: short protein forms G485S.
Identifiers: ClinVar variation 2715318 (VCV002715318.3), dbSNP rs1420322445, ClinGen allele CA400217621.
Genomic context (GRCh38, chr17:50,194,729, plus strand): 5'-CACCAGCCAGGCAATGAGGGTGGAGCGGGAGGGGGCGGGCAGGGACACTTACACGCTCGC[C>T]AGGGGGTCCGGGCAGGCCAGTGGGTCCGGGTTCACCTCGAGCTCCTCGCTTTCCTTCCTC-3'
Protein context (NP_000079.2, residues 475-495): PGPTGLPGPP[Gly485Ser]ERGGPGSRGF